The following is an entry in ClinVar:

NM_001846.4(COL4A2):c.3224C>T (p.Pro1075Leu)

Gene: COL4A2 (collagen type IV alpha 2 chain; plus strand). Cytogenetic location: 13q34.
Variant type: single nucleotide variant.
Coding change: c.3224C>T on transcript NM_001846.4 (MANE Select); coding-DNA position 3224, C replaced by T.
Protein change: p.Pro1075Leu; replaces proline 1075 with leucine.
Molecular consequence: missense variant.
Genome position (GRCh38, 1-based): chr13:110,489,461, C>T. VCF-style: chr13-110489461-C-T. GRCh37 (hg19) VCF-style: chr13-111141808-C-T.
Other names: short protein forms P1075L.
Identifiers: ClinVar variation 2879295 (VCV002879295.3), dbSNP rs999162118, ClinGen allele CA256287034.

ClinVar aggregate classification (germline): Uncertain significance (1 of 4 stars; one submission).

Allele frequency attached by ClinVar (database versions not stated): TOPMed below 0.00001.
gnomAD v4.1: 2 of 1,614,134 alleles (0.00012%); highest among the groups gnomAD compares: East Asian, 0.0022%; no homozygotes.

Submission:

Labcorp Genetics (formerly Invitae), Labcorp
Classification: Uncertain significance. Last evaluated: 2022-12-06. Review status: criteria provided, single submitter. Criteria: Invitae Variant Classification Sherloc (09022015). Collection method: clinical testing. Allele origin: germline.
Comment: This sequence change replaces proline, which is neutral and non-polar, with leucine, which is neutral and non-polar, at codon 1075 of the COL4A2 protein (p.Pro1075Leu). The frequency data for this variant in the population databases is considered unreliable, as metrics indicate poor data quality at this position in the gnomAD database. In summary, the available evidence is currently insufficient to determine the role of this variant in disease. Therefore, it has been classified as a Variant of Uncertain Significance. Advanced modeling of protein sequence and biophysical properties (such as structural, functional, and spatial information, amino acid conservation, physicochemical variation, residue mobility, and thermodynamic stability) performed at Invitae indicates that this missense variant is not expected to disrupt COL4A2 protein function. This variant has not been reported in the literature in individuals affected with COL4A2-related conditions.